The following is an entry in ClinVar:

ClinVar aggregate classification (germline): Uncertain significance (1 of 4 stars; one submission).

Conditions:
TTN-related disorder. Also called: TTN-related disorders; TTN-related condition; TTN-related disease.

gnomAD v4.1: 6 of 1,609,810 alleles (0.00037%); highest among the groups gnomAD compares: South Asian, 0.0066%; no homozygotes.

Submission:

PreventionGenetics, part of Exact Sciences
Classification: Uncertain significance for TTN-related condition. Last evaluated: 2026-07-23. Review status: criteria provided, single submitter. Criteria: ACMG Guidelines, 2015. Collection method: clinical testing. Allele origin: germline.
Comment: The TTN c.5429G>A variant is predicted to result in the amino acid substitution p.Arg1810Lys. To our knowledge, this variant has not been reported in the literature. This variant is reported in 0.0065% of alleles in individuals of South Asian descent in gnomAD. At this time, the clinical significance of this variant is uncertain due to the absence of conclusive functional and genetic evidence.

NM_001267550.2(TTN):c.5429G>A (p.Arg1810Lys)

Gene: TTN (titin; minus strand). Cytogenetic location: 2q31.2.
Variant type: single nucleotide variant.
Coding change: c.5429G>A on transcript NM_001267550.2 (MANE Select); coding-DNA position 5429, G replaced by A.
Protein change: p.Arg1810Lys; replaces arginine 1810 with lysine.
Molecular consequence: missense variant.
Genome position (GRCh38, 1-based): chr2:178,776,435, C>T on the plus strand (G>A on the coding strand, the complement: TTN is on the minus strand). VCF-style: chr2-178776435-C-T. GRCh37 (hg19) VCF-style: chr2-179641162-C-T.
Other names: c.5429G>A, p.Arg1810Lys (NM_001256850.1, NM_133378.4, NM_133379.5); c.5291G>A, p.Arg1764Lys (NM_003319.4, NM_133432.3, NM_133437.4); short protein forms R1764K, R1810K.
Identifiers: ClinVar variation 4982700 (VCV004982700.1).